The following is an entry in ClinVar:

ClinVar aggregate classification (germline): Pathogenic (1 of 4 stars; one submission).

Conditions:
Facioscapulohumeral muscular dystrophy 2 (FSHD2). Also called: FACIOSCAPULOHUMERAL MUSCULAR DYSTROPHY 2, DIGENIC; FSHD2, DIGENIC; MUSCULAR DYSTROPHY, FACIOSCAPULOHUMERAL, TYPE 1B. Identifiers: Orphanet 269, MedGen C1834671, MONDO:0008031, OMIM 158901.

Submission:

Genetic Diseases Diagnostic Center, Koc University Hospital
Classification: Pathogenic for Facioscapulohumeral muscular dystrophy 2. Last evaluated: 2026-02-20. Review status: criteria provided, single submitter. Criteria: ACMG Guidelines, 2015. Collection method: clinical testing. Allele origin: germline. Inheritance: Autosomal dominant inheritance. Affected: yes.
Comment: No supporting literature was identified for SMCHD1 c.2018delT (p.Ala674LeufsTer9), a single-nucleotide deletion predicted to induce a frameshift at codon 674 and generate a premature termination codon 9 residues downstream, consistent with a loss-of-function allele and marked C-terminal truncation. Given SMCHD1’s established role in chromatin-mediated repression and D4Z4 epigenetic regulation, loss-of-function variation is a recognized disease mechanism in FSHD2/FSHD1+2 contexts. ACMG/AMP-based interpretation has classified this variant as pathogenic, supported by PVS1, PM2, PP4 and PS3. Mode of inheritance: Digenic inheritance.

NM_015295.3(SMCHD1):c.2019del (p.Ala674fs)

Gene: SMCHD1 (structural maintenance of chromosomes flexible hinge domain containing 1; plus strand). Cytogenetic location: 18p11.32.
Variant type: Deletion.
Coding change: c.2019del on transcript NM_015295.3 (MANE Select); coding-DNA position 2019, one base deleted (T; older notation c.2019delT).
Protein change: p.Ala674fs; shifts the reading frame from alanine 674.
Molecular consequence: frameshift variant.
Genome position (GRCh38, 1-based): chr18:2,706,426, T deleted; the last of 2 consecutive T bases (chr18:2,706,425-2,706,426); deleting either gives the same sequence. VCF-style (leftmost placement, unchanged base first): chr18-2706424-GT-G. GRCh37 (hg19) VCF-style: chr18-2706422-GT-G.
Other names: c.2018delT (NM_015295.3); short protein forms A674fs.
Identifiers: ClinVar variation 4813985 (VCV004813985.1).